The following is an entry in ClinVar:

NM_024598.4(USB1):c.655C>T (p.Arg219Cys)

Gene: USB1 (U6 snRNA biogenesis phosphodiesterase 1; plus strand). Cytogenetic location: 16q21.
Variant type: single nucleotide variant.
Coding change: c.655C>T on transcript NM_024598.4 (MANE Select); coding-DNA position 655, C replaced by T.
Protein change: p.Arg219Cys; replaces arginine 219 with cysteine.
Molecular consequence: missense variant.
Genome position (GRCh38, 1-based): chr16:58,019,017, C>T. VCF-style: chr16-58019017-C-T. GRCh37 (hg19) VCF-style: chr16-58052921-C-T.
Other names: c.601C>T, p.Arg201Cys (NM_001195302.2); c.502C>T, p.Arg168Cys (NM_001330568.2); c.655C>T (NM_024598.3); short protein forms R168C, R201C, R219C.
Identifiers: ClinVar variation 1129490 (VCV001129490.11), dbSNP rs554516072, ClinGen allele CA8085006.
Genomic context (GRCh38, chr16:58,019,017, plus strand): 5'-CGTTTCCCTCCCCAGGATCCTTCTTTCCACCTCAGCCTGGCCTGGTGTGTGGGTGATGCA[C>T]GTCTCCAGCTGGAGGGGCAGTGCCTGCAGGAACTACAGGTGAATTTCCAGGGCGGGAGCA-3'
Protein context (NP_078874.2, residues 209-229): LSLAWCVGDA[Arg219Cys]LQLEGQCLQE

ClinVar aggregate classification (germline): Conflicting classifications of pathogenicity. Review status: criteria provided, conflicting classifications (1 of 4 stars). 3 submissions from 3 submitters: Uncertain significance (1); Likely benign (1). 1 of the submissions does not count toward it. Last evaluated 2025-11-11.

Conditions:
USB1-related disorder. Also called: USB1-related condition.
Inborn genetic diseases. Identifiers: MedGen C0950123, MeSH D030342.

Allele frequency attached by ClinVar (database versions not stated): gnomAD 0.00005 and 0.00006; TOPMed 0.00010; 1000 Genomes Project 30x 0.00016; ExAC 0.00017; gnomAD exomes 0.00018; 1000 Genomes Project 0.00020.
gnomAD v4.1: 76 of 1,614,172 alleles (0.0047%); highest among the groups gnomAD compares: East Asian, 0.12%; 1 homozygote.

Submissions (3):

Labcorp Genetics (formerly Invitae), Labcorp
Classification: Likely benign. Last evaluated: 2025-11-11. Review status: criteria provided, single submitter. Criteria: Invitae Variant Classification Sherloc (09022015). Collection method: clinical testing. Allele origin: germline.

Ambry Genetics
Classification: Uncertain significance for Inborn genetic diseases. Last evaluated: 2024-11-20. Review status: criteria provided, single submitter. Criteria: Ambry Variant Classification Scheme 2023. Collection method: clinical testing. Allele origin: germline.
Comment: The p.R219C variant (also known as c.655C>T), located in coding exon 6 of the USB1 gene, results from a C to T substitution at nucleotide position 655. The arginine at codon 219 is replaced by cysteine, an amino acid with highly dissimilar properties. This amino acid position is conserved. In addition, this alteration is predicted to be tolerated by in silico analysis. Based on the available evidence, the clinical significance of this variant remains unclear.

PreventionGenetics, part of Exact Sciences
Classification: Likely benign for USB1-related condition. Last evaluated: 2024-09-12. Review status: no assertion criteria provided. Collection method: clinical testing. Allele origin: germline. Not counted in ClinVar's aggregate classification.
Comment: This variant is classified as likely benign based on ACMG/AMP sequence variant interpretation guidelines (Richards et al. 2015 PMID: 25741868, with internal and published modifications).